The following is an entry in ClinVar:

ClinVar aggregate classification (germline): Uncertain significance (1 of 4 stars; one submission).

Conditions:
PLXNA4-related disorder. Also called: PLXNA4-related condition.

Submission:

PreventionGenetics, part of Exact Sciences
Classification: Uncertain significance for PLXNA4-related condition. Last evaluated: 2025-07-30. Review status: criteria provided, single submitter. Criteria: ACMG Guidelines, 2015. Collection method: clinical testing. Allele origin: germline.
Comment: The PLXNA4 c.4433C>G variant is predicted to result in the amino acid substitution p.Thr1478Arg. To our knowledge, this variant has not been reported in the literature or in a large population database (gnomAD), indicating this variant is rare. At this time, the clinical significance of this variant is uncertain due to the absence of conclusive functional and genetic evidence.

NM_020911.2(PLXNA4):c.4433C>G (p.Thr1478Arg)

Gene: PLXNA4 (plexin A4; minus strand). Cytogenetic location: 7q32.3.
Variant type: single nucleotide variant.
Coding change: c.4433C>G on transcript NM_020911.2 (MANE Select); coding-DNA position 4433, C replaced by G.
Protein change: p.Thr1478Arg; replaces threonine 1478 with arginine.
Molecular consequence: missense variant.
Genome position (GRCh38, 1-based): chr7:132,164,209, G>C on the plus strand (C>G on the coding strand, the complement: PLXNA4 is on the minus strand). VCF-style: chr7-132164209-G-C. GRCh37 (hg19) VCF-style: chr7-131848968-G-C.
Other names: c.4433C>G, p.Thr1478Arg (NM_001393897.1); short protein forms T1478R.
Identifiers: ClinVar variation 5000047 (VCV005000047.1).